The following is an entry in ClinVar:

ClinVar aggregate classification (germline): Benign. Review status: criteria provided, multiple submitters, no conflicts (2 of 4 stars). 3 submissions from 3 submitters: Benign (2). 1 of the submissions does not count toward it. Last evaluated 2019-12-31.

Conditions:
DMBT1-related disorder. Also called: DMBT1-related condition.

Allele frequency attached by ClinVar (database versions not stated): gnomAD exomes 0.00139 and 0.00375; gnomAD 0.01397 and 0.01306; ESP Exome Variant Server 0.01430; ExAC 0.00454; 1000 Genomes Project 0.01378; 1000 Genomes Project 30x 0.01468.
gnomAD v4.1: 4,033 of 1,588,398 alleles (0.25%); highest among the groups gnomAD compares: African/African-American, 4.6%; 250 homozygotes.

Submissions (3):

Labcorp Genetics (formerly Invitae), Labcorp
Classification: Benign. Last evaluated: 2019-12-31. Review status: criteria provided, single submitter. Criteria: Invitae Variant Classification Sherloc (09022015). Collection method: clinical testing. Allele origin: germline.

Breakthrough Genomics
Classification: Benign. Review status: criteria provided, single submitter. Criteria: ACMG Guidelines, 2015. Collection method: not provided. Allele origin: germline. Inheritance: Unknown mechanism. Affected: yes.

PreventionGenetics, part of Exact Sciences
Classification: Benign for DMBT1-related condition. Last evaluated: 2019-12-06. Review status: no assertion criteria provided. Collection method: clinical testing. Allele origin: germline. Not counted in ClinVar's aggregate classification.
Comment: This variant is classified as benign based on ACMG/AMP sequence variant interpretation guidelines (Richards et al. 2015 PMID: 25741868, with internal and published modifications).

NM_001377530.1(DMBT1):c.2002G>A (p.Asp668Asn)

Gene: DMBT1 (deleted in malignant brain tumors 1; plus strand). Cytogenetic location: 10q26.13.
Variant type: single nucleotide variant.
Coding change: c.2002G>A on transcript NM_001377530.1 (MANE Select); coding-DNA position 2002, G replaced by A.
Protein change: p.Asp668Asn; replaces aspartic acid 668 with asparagine.
Molecular consequence: missense variant. On other transcripts: intron variant (1).
Genome position (GRCh38, 1-based): chr10:122,589,162, G>A. VCF-style: chr10-122589162-G-A. GRCh37 (hg19) VCF-style: chr10-124348678-G-A.
Other names: c.2002G>A, p.Asp668Asn (NM_001320644.2, NM_007329.3); c.1972G>A, p.Asp658Asn (NM_017579.3); c.1420+4811G>A (NM_004406.3); short protein forms D668N, D658N.
Identifiers: ClinVar variation 786176 (VCV000786176.7), dbSNP rs138842806, ClinGen allele CA5726991.